The following is an entry in ClinVar:

ClinVar aggregate classification (germline): Likely pathogenic (1 of 4 stars; one submission).

Conditions:
Intellectual developmental disorder 62. Also called: MENTAL RETARDATION, AUTOSOMAL DOMINANT 62; INTELLECTUAL DEVELOPMENTAL DISORDER, AUTOSOMAL DOMINANT 62. Identifiers: MedGen C5394083, MONDO:0032919, OMIM 618793.

Submission:

Victorian Clinical Genetics Services, Murdoch Childrens Research Institute
Classification: Likely pathogenic for Intellectual developmental disorder 62. Last evaluated: 2023-07-16. Review status: criteria provided, single submitter. Criteria: ACMG Guidelines, 2015. Collection method: clinical testing. Allele origin: germline. Inheritance: Autosomal dominant inheritance. Affected: yes.
Comment: Based on the classification scheme VCGS_Germline_v1.3.4, this variant is classified as Likely pathogenic. Following criteria are met: 0102 - Loss of function is a known mechanism of disease in this gene and is associated with intellectual developmental disorder 62 (MIM#618793). (I) 0107 - This gene is associated with autosomal dominant disease. (I) 0211 - Canonical splice site variant without proven consequence on splicing (no functional evidence available). (SP) 0251 - This variant is heterozygous. (I) 0301 - Variant is absent from gnomAD (both v2 and v3). (SP) 0505 - Abnormal splicing is predicted by in silico tools and affected nucleotide is highly conserved. (SP) 0705 - No comparable splice variants have previous evidence for pathogenicity. (I) 0807 - This variant has no previous evidence of pathogenicity. (I) 0905 - No published segregation evidence has been identified for this variant. (I) 1007 - No published functional evidence has been identified for this variant. (I) 1208 - Inheritance information for this variant is not currently available in this individual. (I) Legend: (SP) - Supporting pathogenic, (I) - Information, (SB) - Supporting benign

NM_001321075.3(DLG4):c.1186+2T>G

Genes: DLG4 (discs large MAGUK scaffold protein 4; minus strand), LOC126862479 (MED14-independent group 3 enhancer GRCh37_chr17:7099412-7100611; plus strand). Cytogenetic location: 17p13.1.
Variant type: single nucleotide variant.
Coding change: c.1186+2T>G on transcript NM_001321075.3 (MANE Select); the canonical splice donor site of the intron after coding-DNA position 1186, T replaced by G.
Molecular consequence: splice donor variant.
Genome position (GRCh38, 1-based): chr17:7,196,471, A>C on the plus strand (T>G on the coding strand, the complement: DLG4 is on the minus strand). VCF-style: chr17-7196471-A-C. GRCh37 (hg19) VCF-style: chr17-7099790-A-C.
Other names: c.1315+2T>G (NM_001365.5); c.1177+2T>G (NM_001128827.4); c.1105+2T>G (NM_001369566.3); c.1006+2T>G (NM_001321077.3, NM_001321076.3); c.1306+2T>G (NM_001321074.1).
Identifiers: ClinVar variation 3254753 (VCV003254753.1), dbSNP rs2507942569.
Genomic context (GRCh38, chr17:7,196,471, plus strand): 5'-AGCTGAGGAAGAGTTCTAAGGGCCATTTCAGCTCACAAGACAAGGAACTTCCGGCCTGGT[A>C]CCTTCTGGTTTATACTGAGCGATGATCGTGACCGTCTGACCCGCATTCTTCAGGGCAATG-3'